The following is an entry in ClinVar:

ClinVar aggregate classification (germline): Likely pathogenic. Review status: criteria provided, multiple submitters, no conflicts (2 of 4 stars). 2 submissions from 2 submitters: Likely pathogenic (2). Last evaluated 2025-03-19.

Conditions:
Marfan syndrome (MFS). Also called: FBN1-Related Marfan Syndrome; MARFAN SYNDROME, TYPE I; Marfan syndrome type 1; Marfan's syndrome; Marfan syndrome, classic. Identifiers: Orphanet 284963, Orphanet 558, MedGen C0024796, MONDO:0007947, OMIM 154700.
Familial thoracic aortic aneurysm and aortic dissection (TAAD). Also called: Thoracic aortic aneurysms and dissections. Identifiers: Orphanet 91387, MedGen C4707243, MONDO:0019625.
Isolated thoracic aortic aneurysm.

Submissions (2):

Labcorp Genetics (formerly Invitae), Labcorp
Classification: Likely pathogenic for Marfan syndrome; Familial thoracic aortic aneurysm and aortic dissection. Last evaluated: 2025-03-19. Review status: criteria provided, single submitter. Criteria: Invitae Variant Classification Sherloc (09022015). Collection method: clinical testing. Allele origin: germline.
Comment: This sequence change replaces glycine, which is neutral and non-polar, with glutamic acid, which is acidic and polar, at codon 55 of the FBN1 protein (p.Gly55Glu). This variant also falls at the last nucleotide of exon 2, which is part of the consensus splice site for this exon. This variant is not present in population databases (gnomAD no frequency). This missense change has been observed in individuals with clinical features of FBN1-related conditions (PMID: 22772377, 33824467, 34498425). ClinVar contains an entry for this variant (Variation ID: 982354). An algorithm developed to predict the effect of missense changes on protein structure and function (PolyPhen-2) suggests that this variant is likely to be tolerated. Variants that disrupt the consensus splice site are a relatively common cause of aberrant splicing (PMID: 17576681, 9536098). Algorithms developed to predict the effect of sequence changes on RNA splicing suggest that this variant may disrupt the consensus splice site. This variant disrupts the c.164G nucleotide in the FBN1 gene. Other variant(s) that disrupt this nucleotide have been determined to be pathogenic (PMID: 19293843). This suggests that this nucleotide is clinically significant, and that variants that disrupt this position are likely to be disease-causing. In summary, the currently available evidence indicates that the variant is pathogenic, but additional data are needed to prove that conclusively. Therefore, this variant has been classified as Likely Pathogenic.

Department of Vascular Biology, Beijing Anzhen Hospital
Classification: Likely pathogenic for Isolated thoracic aortic aneurysm. Last evaluated: 2018-09-01. Review status: criteria provided, single submitter. Criteria: ACMG Guidelines, 2015. Collection method: research. Allele origin: germline. Affected: yes.

Literature cited by the submitters: PubMed 22772377 (cited by Labcorp Genetics (formerly Invitae), Labcorp); PubMed 33824467 (cited by Labcorp Genetics (formerly Invitae), Labcorp); PubMed 34498425 (cited by Labcorp Genetics (formerly Invitae), Labcorp); PubMed 17576681 (cited by Labcorp Genetics (formerly Invitae), Labcorp); PubMed 9536098 (cited by Labcorp Genetics (formerly Invitae), Labcorp); PubMed 19293843 (cited by Labcorp Genetics (formerly Invitae), Labcorp).

NM_000138.5(FBN1):c.164G>A (p.Gly55Glu)

Gene: FBN1 (fibrillin 1; minus strand). Cytogenetic location: 15q21.1.
Variant type: single nucleotide variant.
Coding change: c.164G>A on transcript NM_000138.5 (MANE Select); coding-DNA position 164, G replaced by A.
Protein change: p.Gly55Glu; replaces glycine 55 with glutamic acid.
Molecular consequence: missense variant.
Genome position (GRCh38, 1-based): chr15:48,644,606, C>T on the plus strand (G>A on the coding strand, the complement: FBN1 is on the minus strand). VCF-style: chr15-48644606-C-T. GRCh37 (hg19) VCF-style: chr15-48936803-C-T.
Other names: short protein forms G55E.
Identifiers: ClinVar variation 982354 (VCV000982354.7), dbSNP rs2140787387, ClinGen allele CA392453404.